The following is an entry in ClinVar:

ClinVar aggregate classification (germline): Likely benign (0 of 4 stars; one submission).

Conditions:
HAAO-related disorder. Also called: HAAO-related condition.

gnomAD v4.1: 12 of 1,607,734 alleles (0.00075%); highest among the groups gnomAD compares: Middle Eastern, 0.016%; no homozygotes.

Submission:

PreventionGenetics, part of Exact Sciences
Classification: Likely benign for HAAO-related condition. Last evaluated: 2020-11-18. Review status: no assertion criteria provided. Collection method: clinical testing. Allele origin: germline.
Comment: This variant is classified as likely benign based on ACMG/AMP sequence variant interpretation guidelines (Richards et al. 2015 PMID: 25741868, with internal and published modifications).

NM_012205.3(HAAO):c.125C>G (p.Thr42Ser)

Gene: HAAO (3-hydroxyanthranilate 3,4-dioxygenase; minus strand). Cytogenetic location: 2p21.
Variant type: single nucleotide variant.
Coding change: c.125C>G on transcript NM_012205.3 (MANE Select); coding-DNA position 125, C replaced by G.
Protein change: p.Thr42Ser; replaces threonine 42 with serine.
Molecular consequence: missense variant.
Genome position (GRCh38, 1-based): chr2:42,788,563, G>C on the plus strand (C>G on the coding strand, the complement: HAAO is on the minus strand). VCF-style: chr2-42788563-G-C. GRCh37 (hg19) VCF-style: chr2-43015703-G-C.
Other names: short protein forms T42S.
Identifiers: ClinVar variation 3047410 (VCV003047410.2), dbSNP rs1048768411, ClinGen allele CA46314262.
Genomic context (GRCh38, chr2:42,788,563, plus strand): 5'-GATCCAGGGAGACCAGTCAAACCTACCTCTTCACCCTCTTCGATGTGATAGTCCTTCCTG[G>C]TGTTGGGGCCTCCGATGAACATGACTTTGAGCTGCTCCTGGTGCCTGCAATGCGCAAAGT-3'
Protein context (NP_036337.2, residues 32-52): LKVMFIGGPN[Thr42Ser]RKDYHIEEGE